The following is an entry in ClinVar:

ClinVar aggregate classification (germline): Likely benign. Review status: criteria provided, multiple submitters, no conflicts (2 of 4 stars). 2 submissions from 2 submitters: Likely benign (2). Last evaluated 2025-04-08.

Conditions:
Autosomal recessive limb-girdle muscular dystrophy type 2J (LGMDR10). Also called: Limb-girdle muscular dystrophy, type 2J; MUSCULAR DYSTROPHY, LIMB-GIRDLE, AUTOSOMAL RECESSIVE 10. Identifiers: Orphanet 140922, MedGen C1837342, MONDO:0012127, OMIM 608807.
Dilated cardiomyopathy 1G (CMD1G). Identifiers: Orphanet 154, MedGen C1858763, MONDO:0011400, OMIM 604145.

Allele frequency attached by ClinVar (database versions not stated): gnomAD exomes 0.00002; TOPMed 0.00002; gnomAD 0.00003.
gnomAD v4.1: 26 of 1,553,272 alleles (0.0017%); highest among the groups gnomAD compares: Non-Finnish European, 0.0022%; no homozygotes.

Submissions (2):

Labcorp Genetics (formerly Invitae), Labcorp
Classification: Likely benign for Dilated cardiomyopathy 1G; Autosomal recessive limb-girdle muscular dystrophy type 2J. Last evaluated: 2025-04-08. Review status: criteria provided, single submitter. Criteria: Invitae Variant Classification Sherloc (09022015). Collection method: clinical testing. Allele origin: germline.

GeneDx
Classification: Likely benign. Last evaluated: 2017-01-07. Review status: criteria provided, single submitter. Criteria: GeneDx Variant Classification (06012015). Collection method: clinical testing. Allele origin: germline. Affected: yes.
Comment: This variant is considered likely benign or benign based on one or more of the following criteria: it is a conservative change, it occurs at a poorly conserved position in the protein, it is predicted to be benign by multiple in silico algorithms, and/or has population frequency not consistent with disease.

NM_001267550.2(TTN):c.31678+20A>G

Gene: TTN (titin; minus strand). Cytogenetic location: 2q31.2.
Variant type: single nucleotide variant.
Coding change: c.31678+20A>G on transcript NM_001267550.2 (MANE Select); 20 bases into the intron after coding-DNA position 31678, A replaced by G.
Molecular consequence: intron variant.
Genome position (GRCh38, 1-based): chr2:178,692,477, T>C on the plus strand (A>G on the coding strand, the complement: TTN is on the minus strand). VCF-style: chr2-178692477-T-C. GRCh37 (hg19) VCF-style: chr2-179557204-T-C.
Other names: c.13282+45605A>G (NM_003319.4); c.13858+45605A>G (NM_133437.4); c.13657+45605A>G (NM_133432.3); c.27946+20A>G (NM_133378.4); c.30727+20A>G (NM_001256850.1).
Identifiers: ClinVar variation 392563 (VCV000392563.9), dbSNP rs1057508878, ClinGen allele CA16604174.